The following is an entry in ClinVar:

NM_006087.4(TUBB4A):c.763G>A (p.Val255Ile)

Gene: TUBB4A (tubulin beta 4A class IVa; minus strand). Cytogenetic location: 19p13.3.
Variant type: single nucleotide variant.
Coding change: c.763G>A on transcript NM_006087.4 (MANE Select); coding-DNA position 763, G replaced by A.
Protein change: p.Val255Ile; replaces valine 255 with isoleucine.
Molecular consequence: missense variant.
Genome position (GRCh38, 1-based): chr19:6,495,736, C>T on the plus strand (G>A on the coding strand, the complement: TUBB4A is on the minus strand). VCF-style: chr19-6495736-C-T. GRCh37 (hg19) VCF-style: chr19-6495747-C-T.
Other names: c.916G>A (NM_001289123.1); c.916G>A, p.Val306Ile (NM_001289123.2); c.898G>A, p.Val300Ile (NM_001289127.2); c.763G>A, p.Val255Ile (NM_001289129.2); c.547G>A, p.Val183Ile (NM_001289130.2, NM_001289131.2); short protein forms V255I, V306I, V300I, V183I.
Identifiers: ClinVar variation 217025 (VCV000217025.25), dbSNP rs767399782, ClinGen allele CA210032.

ClinVar aggregate classification (germline): Pathogenic/Likely pathogenic. Review status: criteria provided, multiple submitters, no conflicts (2 of 4 stars). 13 submissions from 13 submitters: Pathogenic (8); Likely pathogenic (3). 2 of the submissions do not count toward it. Last evaluated 2025-04-10.

Conditions:
Inborn genetic diseases. Identifiers: MedGen C0950123, MeSH D030342.
Leukodystrophy, hypomyelinating, 6. Also called: TUBB4A-Associated Leukodystrophy; LEUKODYSTROPHY, HYPOMYELINATING, WITH ATROPHY OF THE BASAL GANGLIA AND CEREBELLUM; Hypomyelination with Atrophy of Basal Ganglia and Cerebellum (H-ABC). Identifiers: Orphanet 139441, MedGen C2676244, MONDO:0012905, OMIM 612438.
Torsion dystonia 4. Also called: DYSTONIA MUSCULORUM DEFORMANS 4; DYT-TUBB4A (Autosomal Dominant Torsion Dystonia). Identifiers: Orphanet 98805, MedGen C1851943, MONDO:0007493, OMIM 128101.
Cerebral palsy. Identifiers: MedGen C0007789, MONDO:0006497, HP:0100021.
Microcephaly. Also called: Microcephaly (disease). Identifiers: MedGen C4551563, MONDO:0001149, HP:0000252.

Submissions (13):

GeneDx
Classification: Pathogenic. Last evaluated: 2025-04-10. Review status: criteria provided, single submitter. Criteria: GeneDx Variant Classification Process June 2021. Collection method: clinical testing. Allele origin: germline. Affected: yes.
Comment: Published functional studies demonstrate a damaging effect with significant reduction in tubulin polymerization and altered ability to incorporate into microtubules, suggestive of a toxic dominant gain-of-function mechanism (PMID: 28973395); Not observed at significant frequency in large population cohorts (gnomAD); Missense variants in this gene are often considered pathogenic (HGMD); In silico analysis indicates that this missense variant does not alter protein structure/function; This variant is associated with the following publications: (PMID: 26934450, 34514881, 25326637, 25085639, 27809427, 32581362, 28973395, 37323201, 34374989, 37541188, 35668344, 37267771, 30542205, 33644862)

Variantyx, Inc.
Classification: Pathogenic for Leukodystrophy, hypomyelinating, 6. Last evaluated: 2025-03-27. Review status: criteria provided, single submitter. Criteria: Variantyx Assertion Criteria 2022. Collection method: clinical testing. Allele origin: de novo. Affected: yes.
Comment: This is a nonsynonymous variant in the TUBB4A gene (OMIM: 602662). Pathogenic variants in this gene have been associated with autosomal dominant hypomyelinating leukodystrophy-6. Multiple computational algorithms predict a deleterious effect for this variant (REVEL score: 0.883) (PP3_Moderate). This variant is absent from control populations (PM2_Supporting). Based on the current evidence, this variant is classified as pathogenic for autosomal dominant hypomyelinating leukodystrophy-6.

Genomic Medicine Center of Excellence, King Faisal Specialist Hospital and Research Centre
Classification: Likely pathogenic for Leukodystrophy, hypomyelinating, 6. Last evaluated: 2025-01-04. Review status: criteria provided, single submitter. Criteria: ACMG Guidelines, 2015. Collection method: clinical testing. Allele origin: germline.

Labcorp Genetics (formerly Invitae), Labcorp
Classification: Pathogenic for Leukodystrophy, hypomyelinating, 6. Last evaluated: 2024-12-02. Review status: criteria provided, single submitter. Criteria: Invitae Variant Classification Sherloc (09022015). Collection method: clinical testing. Allele origin: germline.
Comment: This sequence change replaces valine, which is neutral and non-polar, with isoleucine, which is neutral and non-polar, at codon 255 of the TUBB4A protein (p.Val255Ile). This variant is not present in population databases (gnomAD no frequency). This missense change has been observed in individual(s) with dystonia, isolated hypomyelination, or dystonia with hypomyelinating leukodystrophy (PMID: 25085639, 25326637; internal data). In at least one individual the variant was observed to be de novo. ClinVar contains an entry for this variant (Variation ID: 217025). Invitae Evidence Modeling of protein sequence and biophysical properties (such as structural, functional, and spatial information, amino acid conservation, physicochemical variation, residue mobility, and thermodynamic stability) indicates that this missense variant is expected to disrupt TUBB4A protein function with a positive predictive value of 80%. Experimental studies have shown that this missense change affects TUBB4A function (PMID: 28973395). For these reasons, this variant has been classified as Pathogenic.

Dubai Health Genomic Medicine Center, Dubai Health
Classification: Pathogenic for Dystonia 4, torsion, autosomal dominant. Last evaluated: 2024-10-04. Review status: criteria provided, single submitter. Criteria: ACMG Guidelines, 2015. Collection method: research. Allele origin: germline. Affected: yes.
Comment: PS3,PS4,PM6,PM2

Institute of Medical Genetics and Applied Genomics, University Hospital Tübingen
Classification: Pathogenic. Last evaluated: 2021-06-17. Review status: criteria provided, single submitter. Criteria: ACMG Guidelines, 2015. Collection method: clinical testing. Allele origin: germline. Inheritance: Autosomal dominant inheritance. Affected: yes.

Ambry Genetics
Classification: Likely pathogenic for Inborn genetic diseases. Last evaluated: 2021-06-04. Review status: criteria provided, single submitter. Criteria: Ambry Variant Classification Scheme 2023. Collection method: clinical testing. Allele origin: germline.
Comment: The c.763G>A (p.V255I) alteration is located in exon 4 (coding exon 4) of the TUBB4A gene. This alteration results from a G to A substitution at nucleotide position 763, causing the valine (V) at amino acid position 255 to be replaced by an isoleucine (I). Based on data from the Genome Aggregation Database (gnomAD), the TUBB4A c.763G>A alteration was not observed, with coverage at this position. This alteration was reported de novo in another patient with developmental delay, microcephaly, truncal hypotonia, limb hypertonia, foot clonus, and cerebellar hypoplasia/atrophy (Lee, 2014). This amino acid position is highly conserved in available vertebrate species. This missense alteration is located in a region that has a low rate of benign missense variation (Lek, 2016; Firth, 2009). Histo-pathological examination of brain tissue from affected individuals with the p.V255I alteration showed abnormal morphology of oligodendrocytes, and in vitro functional studies showed decreased tubulin polymerization and decreased myelin protein expression (Curiel, 2017). The p.V255I alteration is predicted to be tolerated by in silico analysis. Based on the available evidence, this alteration is classified as likely pathogenic.

UCLA Clinical Genomics Center, UCLA
Classification: Likely pathogenic for Leukodystrophy, hypomyelinating, 6. Last evaluated: 2013-04-02. Review status: criteria provided, single submitter. Criteria: Lee et al. (JAMA. 2014). Collection method: clinical testing. Allele origin: de novo. Inheritance: Autosomal dominant inheritance. Affected: yes. Study: CES.

Bicknell laboratory, University of Otago
Classification: Pathogenic for Microcephaly. Review status: criteria provided, single submitter. Criteria: ACMG Guidelines, 2015. Collection method: research. Allele origin: de novo. Affected: yes.

Juno Genomics, Hangzhou Juno Genomics, Inc
Classification: Pathogenic for Torsion dystonia 4; Leukodystrophy, hypomyelinating, 6. Review status: criteria provided, single submitter. Criteria: ACMG Guidelines, 2015. Collection method: clinical testing. Allele origin: germline.
Comment: Absent from controls (or at extremely low frequency if recessive) in Genome Aggregation Database.;Multiple lines of computational evidence support a deleterious effect on the gene or gene product.;Missense variant in a gene that has a low rate of benign missense variation.;The prevalence of the variant in affected individuals is significantly increased compared to the prevalence in controls.;De novo (both maternity and paternity confirmed) in a patient with the disease and no family history.

TIDEX, University of British Columbia
Classification: Pathogenic for Leukodystrophy, hypomyelinating, 6. Review status: criteria provided, single submitter. Criteria: ACMG Guidelines, 2015. Collection method: research. Allele origin: de novo. Inheritance: Autosomal dominant inheritance. Affected: yes.

GeneReviews
No classification provided. Condition: Leukodystrophy, hypomyelinating, 6. Review status: no classification provided. Collection method: literature only. Allele origin: germline. Affected: yes. Not counted in ClinVar's aggregate classification.

NIHR Bioresource Rare Diseases, University of Cambridge
Classification: Likely pathogenic for Cerebral palsy. Review status: no assertion criteria provided. Collection method: research. Allele origin: unknown. Affected: yes. Observed: 1 variant allele. Not counted in ClinVar's aggregate classification.

Literature cited by the submitters: PubMed 25085639 (cited by 3 submitters); PubMed 25326637 (cited by Labcorp Genetics (formerly Invitae), Labcorp and Ambry Genetics); PubMed 28973395 (cited by Labcorp Genetics (formerly Invitae), Labcorp and Ambry Genetics); NCBI Bookshelf NBK395611 (cited by GeneReviews); PubMed 32581362 (cited by NIHR Bioresource Rare Diseases, University of Cambridge).